The following is an entry in ClinVar:

NM_001376.5(DYNC1H1):c.5827C>G (p.Arg1943Gly)

Gene: DYNC1H1 (dynein cytoplasmic 1 heavy chain 1; plus strand). Cytogenetic location: 14q32.31.
Variant type: single nucleotide variant.
Coding change: c.5827C>G on transcript NM_001376.5 (MANE Select); coding-DNA position 5827, C replaced by G.
Protein change: p.Arg1943Gly; replaces arginine 1943 with glycine.
Molecular consequence: missense variant.
Genome position (GRCh38, 1-based): chr14:102,008,187, C>G. VCF-style: chr14-102008187-C-G. GRCh37 (hg19) VCF-style: chr14-102474524-C-G.
Other names: short protein forms R1943G.
Identifiers: ClinVar variation 4975849 (VCV004975849.1).

ClinVar aggregate classification (germline): Uncertain significance (1 of 4 stars; one submission).

gnomAD v4.1: 2 of 1,614,110 alleles (0.00012%); highest among the groups gnomAD compares: Non-Finnish European, 0.00017%; no homozygotes.

Submission:

GeneDx
Classification: Uncertain significance. Last evaluated: 2026-01-29. Review status: criteria provided, single submitter. Criteria: GeneDx Variant Classification Process June 2021. Collection method: clinical testing. Allele origin: germline.
Comment: Not observed at significant frequency in large population cohorts (gnomAD); In silico analysis supports that this missense variant has a deleterious effect on protein structure/function; Has not been previously published as pathogenic or benign to our knowledge; This variant is associated with the following publications: (PMID: 25512093, 25609763, 26100331)